The following is an entry in ClinVar:

NM_001035.3(RYR2):c.9449+3A>G

Gene: RYR2 (ryanodine receptor 2; plus strand). Cytogenetic location: 1q43.
Variant type: single nucleotide variant.
Coding change: c.9449+3A>G on transcript NM_001035.3 (MANE Select); 3 bases into the intron after coding-DNA position 9449, A replaced by G.
Molecular consequence: intron variant.
Genome position (GRCh38, 1-based): chr1:237,702,062, A>G. VCF-style: chr1-237702062-A-G. GRCh37 (hg19) VCF-style: chr1-237865362-A-G.
Identifiers: ClinVar variation 925913 (VCV000925913.5), dbSNP rs1688012992, ClinGen allele CA076811.

ClinVar aggregate classification (germline): Conflicting classifications of pathogenicity. Review status: criteria provided, conflicting classifications (1 of 4 stars). 2 submissions from 2 submitters: Uncertain significance (1); Likely benign (1). Last evaluated 2025-12-08.

Conditions:
Catecholaminergic polymorphic ventricular tachycardia 1. Also called: VENTRICULAR TACHYCARDIA, CATECHOLAMINERGIC POLYMORPHIC, 1, WITH OR WITHOUT ATRIAL DYSFUNCTION AND/OR DILATED CARDIOMYOPATHY; VENTRICULAR TACHYCARDIA, STRESS-INDUCED POLYMORPHIC 1; RYR2-Related Catecholaminergic Polymorphic Ventricular Tachycardia. Identifiers: Orphanet 3286, MedGen C1631597, MONDO:0011484, OMIM 604772.
Cardiomyopathy (CMYO). Also called: Cardiomyopathies. Identifiers: Orphanet 167848, MedGen C0878544, MONDO:0004994, HP:0001638. Inheritance: Various modes of inheritance.

Allele frequency attached by ClinVar (database versions not stated): gnomAD exomes below 0.00001; gnomAD 0.00001; TOPMed 0.00002.
gnomAD v4.1: 4 of 1,546,138 alleles (0.00026%); highest among the groups gnomAD compares: Non-Finnish European, 0.00036%; no homozygotes.

Submissions (2):

Labcorp Genetics (formerly Invitae), Labcorp
Classification: Uncertain significance for Catecholaminergic polymorphic ventricular tachycardia 1. Last evaluated: 2025-12-08. Review status: criteria provided, single submitter. Criteria: Invitae Variant Classification Sherloc (09022015). Collection method: clinical testing. Allele origin: germline.
Comment: This sequence change falls in intron 66 of the RYR2 gene. It does not directly change the encoded amino acid sequence of the RYR2 protein. It affects a nucleotide within the consensus splice site. This variant is not present in population databases (gnomAD no frequency). This variant has not been reported in the literature in individuals affected with RYR2-related conditions. ClinVar contains an entry for this variant (Variation ID: 925913). Variants that disrupt the consensus splice site are a relatively common cause of aberrant splicing (PMID: 17576681, 9536098). Algorithms developed to predict the effect of sequence changes on RNA splicing suggest that this variant may disrupt the consensus splice site. In summary, the available evidence is currently insufficient to determine the role of this variant in disease. Therefore, it has been classified as a Variant of Uncertain Significance.

Color Diagnostics, LLC DBA Color Health
Classification: Likely benign for Cardiomyopathy. Last evaluated: 2019-01-08. Review status: criteria provided, single submitter. Criteria: ACMG Guidelines, 2015. Collection method: clinical testing. Allele origin: germline.

Literature cited by the submitters: PubMed 17576681 (cited by Labcorp Genetics (formerly Invitae), Labcorp); PubMed 9536098 (cited by Labcorp Genetics (formerly Invitae), Labcorp).